The following is an entry in ClinVar:

NM_005257.6(GATA6):c.1136-2A>G

Gene: GATA6 (GATA binding protein 6; plus strand). Cytogenetic location: 18q11.2.
Variant type: single nucleotide variant.
Coding change: c.1136-2A>G on transcript NM_005257.6 (MANE Select); the canonical splice acceptor site of the intron before coding-DNA position 1136, A replaced by G.
Molecular consequence: splice acceptor variant.
Genome position (GRCh38, 1-based): chr18:22,176,953, A>G. VCF-style: chr18-22176953-A-G. GRCh37 (hg19) VCF-style: chr18-19756914-A-G.
Identifiers: ClinVar variation 4850731 (VCV004850731.1).
Genomic context (GRCh38, chr18:22,176,953, plus strand): 5'-GACGCGGGGAGGGACGGGTCCGGCGCGCCCACTCCCGCCCTCACGCACCGCTGTCGCCGC[A>G]GACCTGCTGGAGGACCTGTCCGAGAGCCGCGAGTGCGTGAACTGCGGCTCCATCCAGACG-3'

ClinVar aggregate classification (germline): Pathogenic (1 of 4 stars; one submission).

Conditions:
Autosomal dominant GATA6-related disorders.

Submission:

Variantyx, Inc.
Classification: Pathogenic for Autosomal dominant GATA6-related disorders. Last evaluated: 2025-08-21. Review status: criteria provided, single submitter. Criteria: Variantyx Assertion Criteria 2022. Collection method: clinical testing. Allele origin: de novo. Inheritance: Autosomal dominant inheritance. Affected: yes.
Comment: This is a canonical splicing variant in the GATA6 gene (OMIM: 601656). Pathogenic variants in this gene have been associated with autosomal dominant GATA6-related disorders. This splicing variant is expected to result in loss of function, which is a known disease mechanism for GATA6 in these disorders (PMID: 22158542, 23223019) (PVS1). It has been reported in at least one affected individual (PMID: 23223019) (PS4), while it is absent from control populations (PM2). Based on the current evidence, this variant is classified as pathogenic for autosomal dominant GATA6-related disorders.

Literature cited by the submitters: PubMed 22158542; PubMed 23223019.